The following is an entry in ClinVar:

NM_201384.3(PLEC):c.6535C>T (p.Arg2179Trp)

Gene: PLEC (plectin; minus strand). Cytogenetic location: 8q24.3.
Variant type: single nucleotide variant.
Coding change: c.6535C>T on transcript NM_201384.3 (MANE Select); coding-DNA position 6535, C replaced by T.
Protein change: p.Arg2179Trp; replaces arginine 2179 with tryptophan.
Molecular consequence: missense variant.
Genome position (GRCh38, 1-based): chr8:143,923,394, G>A on the plus strand (C>T on the coding strand, the complement: PLEC is on the minus strand). VCF-style: chr8-143923394-G-A. GRCh37 (hg19) VCF-style: chr8-144997562-G-A.
Other names: c.6616C>T (NM_000445.4); c.6616C>T, p.Arg2206Trp (NM_000445.5); c.6493C>T, p.Arg2165Trp (NM_201378.4); c.6469C>T, p.Arg2157Trp (NM_201379.3); c.6946C>T, p.Arg2316Trp (NM_201380.4); c.6439C>T, p.Arg2147Trp (NM_201381.3); c.6535C>T, p.Arg2179Trp (NM_201382.4); c.6547C>T, p.Arg2183Trp (NM_201383.3); short protein forms R2147W, R2157W, R2165W, R2179W, R2183W, R2206W, R2316W.
Identifiers: ClinVar variation 498367 (VCV000498367.15), dbSNP rs372371569, ClinGen allele CA4925950.

ClinVar aggregate classification (germline): Uncertain significance. Review status: criteria provided, multiple submitters, no conflicts (2 of 4 stars). 6 submissions from 6 submitters: Uncertain significance (6). Last evaluated 2026-05-22.

Conditions:
Autosomal recessive limb-girdle muscular dystrophy type 2Q (LGMDR17). Also called: MUSCULAR DYSTROPHY, LIMB-GIRDLE, AUTOSOMAL RECESSIVE 17. Identifiers: Orphanet 254361, MedGen C3150989, MONDO:0013390, OMIM 613723.
Epidermolysis bullosa simplex 5B, with muscular dystrophy (EBS5B). Also called: EPIDERMOLYSIS BULLOSA SIMPLEX AND LIMB-GIRDLE MUSCULAR DYSTROPHY; Epidermolysis bullosa simplex with muscular dystrophy. Identifiers: Orphanet 257, MedGen C2931072, MONDO:0009181, OMIM 226670.
Epidermolysis bullosa simplex, Ogna type (EBS5A). Also called: Pidermolysis bullosa simplex 5A, Ogna type; EPIDERMOLYSIS BULLOSA SIMPLEX 5A, OGNA TYPE. Identifiers: Orphanet 79401, MedGen C0432317, MONDO:0007555, OMIM 131950.
Epidermolysis bullosa simplex with nail dystrophy (EBS5D). Identifiers: MedGen C4225309, MONDO:0014661, OMIM 616487.
Epidermolysis bullosa simplex 5C, with pyloric atresia (EBS5C). Also called: PLEC-Related Epidermolysis Bullosa with Pyloric Atresia; Epidermolysis bullosa simplex with pyloric atresia; PLEC1-Related Epidermolysis Bullosa with Pyloric Atresia. Identifiers: Orphanet 158684, MedGen C2677349, MONDO:0012807, OMIM 612138.
PLEC-related disorder. Also called: PLEC-related disorders; PLEC-related condition.

Allele frequency attached by ClinVar (database versions not stated): ExAC 0.00004; gnomAD exomes 0.00004; gnomAD 0.00007; ESP Exome Variant Server 0.00008; 1000 Genomes Project 30x 0.00016; TOPMed 0.00018; 1000 Genomes Project 0.00020.
gnomAD v4.1: 69 of 1,610,440 alleles (0.0043%); highest among the groups gnomAD compares: Admixed American, 0.023%; no homozygotes.

Submissions (6):

PreventionGenetics, part of Exact Sciences
Classification: Uncertain significance for PLEC-related condition. Last evaluated: 2026-05-22. Review status: criteria provided, single submitter. Criteria: ACMG Guidelines, 2015. Collection method: clinical testing. Allele origin: germline.
Comment: The PLEC c.6616C>T variant is predicted to result in the amino acid substitution p.Arg2206Trp. To our knowledge, this variant has not been reported in the literature. This variant is reported in 0.020% of alleles in individuals of Ashkenazi Jewish descent in gnomAD. At this time, the clinical significance of this variant is uncertain due to the absence of conclusive functional and genetic evidence.

Labcorp Genetics (formerly Invitae), Labcorp
Classification: Uncertain significance for Autosomal recessive limb-girdle muscular dystrophy type 2Q; Epidermolysis bullosa simplex, Ogna type; Epidermolysis bullosa simplex with nail dystrophy; Epidermolysis bullosa simplex 5C, with pyloric atresia; Epidermolysis bullosa simplex 5B, with muscular dystrophy. Last evaluated: 2024-12-12. Review status: criteria provided, single submitter. Criteria: Invitae Variant Classification Sherloc (09022015). Collection method: clinical testing. Allele origin: germline.
Comment: This sequence change replaces arginine, which is basic and polar, with tryptophan, which is neutral and slightly polar, at codon 2206 of the PLEC protein (p.Arg2206Trp). This variant is present in population databases (rs372371569, gnomAD 0.02%). This variant has not been reported in the literature in individuals affected with PLEC-related conditions. ClinVar contains an entry for this variant (Variation ID: 498367). An algorithm developed to predict the effect of missense changes on protein structure and function (PolyPhen-2) suggests that this variant is likely to be disruptive. In summary, the available evidence is currently insufficient to determine the role of this variant in disease. Therefore, it has been classified as a Variant of Uncertain Significance.

Blueprint Genetics
Classification: Uncertain significance. Last evaluated: 2023-12-22. Review status: criteria provided, single submitter. Criteria: ACMG Guidelines, 2015. Collection method: clinical testing. Allele origin: germline.

GeneDx
Classification: Uncertain significance. Last evaluated: 2022-05-12. Review status: criteria provided, single submitter. Criteria: GeneDx Variant Classification Process June 2021. Collection method: clinical testing. Allele origin: germline. Affected: yes.
Comment: In silico analysis supports that this missense variant has a deleterious effect on protein structure/function; Has not been previously published as pathogenic or benign to our knowledge

Revvity Omics, Revvity
Classification: Uncertain significance. Last evaluated: 2020-02-29. Review status: criteria provided, single submitter. Criteria: ACMG Guidelines, 2015. Collection method: clinical testing. Allele origin: germline.

Eurofins Ntd Llc (ga)
Classification: Uncertain significance. Last evaluated: 2017-01-06. Review status: criteria provided, single submitter. Criteria: EGL Classification Definitions 2015. Collection method: clinical testing. Allele origin: germline. Observed: 2 variant alleles, 2 heterozygotes.